The following is an entry in ClinVar:

NM_000492.4(CFTR):c.1251C>A (p.Asn417Lys)

Genes: CFTR (CF transmembrane conductance regulator; plus strand), CFTR-AS1 (CFTR antisense RNA 1; minus strand). Cytogenetic location: 7q31.2.
Variant type: single nucleotide variant.
Coding change: c.1251C>A on transcript NM_000492.4 (MANE Select); coding-DNA position 1251, C replaced by A.
Protein change: p.Asn417Lys; replaces asparagine 417 with lysine.
Molecular consequence: missense variant.
Genome position (GRCh38, 1-based): chr7:117,548,682, C>A. VCF-style: chr7-117548682-C-A. GRCh37 (hg19) VCF-style: chr7-117188736-C-A.
Other names: short protein forms N417K.
Identifiers: ClinVar variation 193592 (VCV000193592.30), dbSNP rs4727853, ClinGen allele CA200678.

ClinVar aggregate classification (germline): Conflicting classifications of pathogenicity. Review status: criteria provided, conflicting classifications (1 of 4 stars). 10 submissions from 10 submitters: Uncertain significance (3); Benign (4); Likely benign (3). Last evaluated 2026-01-29.

Conditions:
CFTR-related disorder (CFTR-RD). Also called: CFTR-related disorders; CFTR-related condition. Identifiers: MedGen C5924204, MONDO:7770004.
Cystic fibrosis (CF). Also called: MUCOVISCIDOSIS. Identifiers: Orphanet 586, MedGen C0010674, MONDO:0009061, OMIM 219700. Disease mechanism: loss of function.

Allele frequency attached by ClinVar (database versions not stated): ExAC 0.01885.

Submissions (10):

Labcorp Genetics (formerly Invitae), Labcorp
Classification: Benign for Cystic fibrosis. Last evaluated: 2026-01-29. Review status: criteria provided, single submitter. Criteria: Invitae Variant Classification Sherloc (09022015). Collection method: clinical testing. Allele origin: germline.

Institute for Clinical Genetics, University Hospital TU Dresden, University Hospital TU Dresden
Classification: Uncertain significance. Last evaluated: 2021-11-03. Review status: criteria provided, single submitter. Criteria: ACMG Guidelines, 2015. Collection method: clinical testing. Allele origin: germline.

Genome-Nilou Lab
Classification: Likely benign for Cystic fibrosis. Last evaluated: 2021-07-22. Review status: criteria provided, single submitter. Criteria: ACMG Guidelines, 2015. Collection method: clinical testing. Allele origin: germline. Affected: no.

Quest Diagnostics Nichols Institute San Juan Capistrano
Classification: Benign. Last evaluated: 2020-09-30. Review status: criteria provided, single submitter. Criteria: Quest Diagnostics criteria. Collection method: clinical testing. Allele origin: unknown.

Ambry Genetics
Classification: Likely benign for Cystic fibrosis. Last evaluated: 2019-09-26. Review status: criteria provided, single submitter. Criteria: Ambry Variant Classification Scheme 2023. Collection method: clinical testing. Allele origin: germline.

Illumina Laboratory Services, Illumina
Classification: Likely benign for CFTR-Related Disorders. Last evaluated: 2018-01-13. Review status: criteria provided, single submitter. Criteria: ICSL Variant Classification Criteria 13 December 2019. Collection method: clinical testing. Allele origin: germline.
Comment: This variant was observed in the ICSL laboratory as part of a predisposition screen in an ostensibly healthy population. It had not been previously curated by ICSL or reported in the Human Gene Mutation Database (HGMD: prior to June 1st, 2018), and was therefore a candidate for classification through an automated scoring system. Utilizing variant allele frequency, disease prevalence and penetrance estimates, and inheritance mode, an automated score was calculated to assess if this variant is too frequent to cause the disease. Based on the score and internal cut-off values, a variant classified as likely benign is not then subjected to further curation. The score for this variant resulted in a classification of likely benign for this disease.

Women's Health and Genetics/Laboratory Corporation of America, LabCorp
Classification: Uncertain significance. Last evaluated: 2017-08-22. Review status: criteria provided, single submitter. Criteria: LabCorp Variant Classification Summary - May 2015. Collection method: clinical testing. Allele origin: germline.
Comment: Variant summary: The CFTR c.1251C>A (p.Asn417Lys) variant involves the alteration of a non-conserved nucleotide. 3/5 in silico tools predict a benign outcome for this variant. This variant was found in 5925/206340 control chromosomes (gnomAD) at a frequency of 0.02871, which is approximately 1.5 times the estimated maximal expected allele frequency of a pathogenic CFTR variant (0.0129603), suggesting this variant is likely a benign polymorphism. However, gnomAD notes that the variant is located in a "segmental duplication region, failed random forests filters, and has an inbreeding coefficient of < -0.03." ExAC, 1790/94952 (frequency: 0.01885) notes that this variant is only covered in 47476 individuals (adjusted allele number = 94952), which is fewer than 80% of the individuals in ExAC, indicating a potentially low-quality site. In addition, each control database, gnomAD and ExAC, show significantly different allele frequencies in each of the subpopulations, making interpretation of the data difficult. Additionally, the relatively high allele frequencies reported by ExAC and gnomAD would be expected to result in homozygous individuals in the population if the allele is benign; however, neither database reports any homozygotes, despite allele frequencies as high as 9-12% in some subpopulations. This may be due to linkage to a nearby pathogenic variant, such as deltaF508, where homozygosity of the variant of interest results in homozygosity of the pathogenic allele, leading to a absence of homozygotes for the variant in the general population. The variant has been reported in the literature without strong evidence for or against causality. In addition, multiple clinical diagnostic laboratories/reputable databases classified this variant as likely benign or benign. Taken together, this variant is classified as a "Variant of Uncertain Significance - Possibly Benign," until additional information becomes available such as higher quality control data and/or functional studies.

Center for Pediatric Genomic Medicine, Children's Mercy Hospital and Clinics
Classification: Benign. Last evaluated: 2015-12-28. Review status: criteria provided, single submitter. Criteria: ACMG Guidelines, 2015. Collection method: clinical testing. Allele origin: germline.

Eurofins Ntd Llc (ga)
Classification: Benign. Last evaluated: 2015-03-21. Review status: criteria provided, single submitter. Criteria: EGL Classification Definitions 2015. Collection method: clinical testing. Allele origin: germline. Observed: 5 variant alleles, 4 heterozygotes.

Neuberg Centre For Genomic Medicine, NCGM
Classification: Uncertain significance for Cystic fibrosis. Review status: criteria provided, single submitter. Criteria: ACMG Guidelines, 2015. Collection method: clinical testing. Allele origin: germline. Inheritance: Autosomal recessive inheritance. Affected: yes.
Comment: The missense variant p.N417K in CFTR (NM_000492.3) has not been reported previously as a pathogenic variant nor as a benign variant, to our knowledge. Although the variant is present at 0.5826% in gnomAD Exomes, it has the flag "Failed Random Forest" and may not represent the true population frequency. The p.N417K variant is novel (not in any individuals) in 1000 Genomes. There is a moderate physicochemical difference between asparagine and lysine. The p.N417K missense variant is predicted to be tolerated by both SIFT or PolyPhen2. The nucleotide c.1251 in CFTR is not conserved according to a GERP++ and PhyloP analysis of 100 vertebrates. For these reasons, this variant has been classified as Uncertain Significance.

Literature cited by the submitters: PubMed 26436105 (cited by Quest Diagnostics Nichols Institute San Juan Capistrano); PubMed 18716917 (cited by Quest Diagnostics Nichols Institute San Juan Capistrano and Women's Health and Genetics/Laboratory Corporation of America, LabCorp); PubMed 28027573 (cited by Women's Health and Genetics/Laboratory Corporation of America, LabCorp).